The following is an entry in ClinVar:

ClinVar aggregate classification (germline): Uncertain significance. Review status: criteria provided, multiple submitters, no conflicts (2 of 4 stars). 2 submissions from 2 submitters: Uncertain significance (2). Last evaluated 2024-02-16.

Conditions:
Combined immunodeficiency due to OX40 deficiency. Also called: Immunodeficiency 16; OX40 DEFICIENCY. Identifiers: Orphanet 431149, MedGen C3810053, MONDO:0014268, OMIM 615593.

Allele frequency attached by ClinVar (database versions not stated): gnomAD exomes below 0.00001; ExAC 0.00001.
gnomAD v4.1: 5 of 1,611,422 alleles (0.00031%); highest among the groups gnomAD compares: Admixed American, 0.005%; no homozygotes.

Submissions (2):

Labcorp Genetics (formerly Invitae), Labcorp
Classification: Uncertain significance for Combined immunodeficiency due to OX40 deficiency. Last evaluated: 2024-02-16. Review status: criteria provided, single submitter. Criteria: Invitae Variant Classification Sherloc (09022015). Collection method: clinical testing. Allele origin: germline.
Comment: This sequence change replaces cysteine, which is neutral and slightly polar, with glycine, which is neutral and non-polar, at codon 109 of the TNFRSF4 protein (p.Cys109Gly). This variant is present in population databases (rs780756664, gnomAD 0.009%). This variant has not been reported in the literature in individuals affected with TNFRSF4-related conditions. ClinVar contains an entry for this variant (Variation ID: 2076008). Advanced modeling of protein sequence and biophysical properties (such as structural, functional, and spatial information, amino acid conservation, physicochemical variation, residue mobility, and thermodynamic stability) performed at Invitae indicates that this missense variant is expected to disrupt TNFRSF4 protein function with a positive predictive value of 80%. In summary, the available evidence is currently insufficient to determine the role of this variant in disease. Therefore, it has been classified as a Variant of Uncertain Significance.

Ambry Genetics
Classification: Uncertain significance. Last evaluated: 2023-12-14. Review status: criteria provided, single submitter. Criteria: Ambry Variant Classification Scheme 2023. Collection method: clinical testing. Allele origin: germline.

NM_003327.4(TNFRSF4):c.325T>G (p.Cys109Gly)

Gene: TNFRSF4 (TNF receptor superfamily member 4; minus strand). Cytogenetic location: 1p36.33.
Variant type: single nucleotide variant.
Coding change: c.325T>G on transcript NM_003327.4 (MANE Select); coding-DNA position 325, T replaced by G.
Protein change: p.Cys109Gly; replaces cysteine 109 with glycine.
Molecular consequence: missense variant.
Genome position (GRCh38, 1-based): chr1:1,213,037, A>C on the plus strand (T>G on the coding strand, the complement: TNFRSF4 is on the minus strand). VCF-style: chr1-1213037-A-C. GRCh37 (hg19) VCF-style: chr1-1148417-A-C.
Other names: c.325T>G (NM_003327.3); c.325T>G, p.Cys109Gly (NM_001410709.1); short protein forms C109G.
Identifiers: ClinVar variation 2076008 (VCV002076008.5), dbSNP rs780756664, ClinGen allele CA512529.